The following is an entry in ClinVar:

ClinVar aggregate classification (germline): Uncertain significance (1 of 4 stars; one submission).

Conditions:
Charcot-Marie-Tooth disease type 2. Also called: Charcot-Marie-Tooth type 2. Identifiers: Orphanet 64746, MedGen C0270914, MONDO:0018993.

gnomAD v4.1: 2 of 1,588,004 alleles (0.00013%); highest among the groups gnomAD compares: Admixed American, 0.0017%; no homozygotes.

Submission:

Labcorp Genetics (formerly Invitae), Labcorp
Classification: Uncertain significance for Charcot-Marie-Tooth disease type 2. Last evaluated: 2025-01-08. Review status: criteria provided, single submitter. Criteria: Invitae Variant Classification Sherloc (09022015). Collection method: clinical testing. Allele origin: germline.
Comment: This sequence change replaces alanine, which is neutral and non-polar, with threonine, which is neutral and polar, at codon 269 of the KIF1B protein (p.Ala269Thr). The frequency data for this variant in the population databases is considered unreliable, as metrics indicate poor data quality at this position in the gnomAD database. This variant has not been reported in the literature in individuals affected with KIF1B-related conditions. Invitae Evidence Modeling of protein sequence and biophysical properties (such as structural, functional, and spatial information, amino acid conservation, physicochemical variation, residue mobility, and thermodynamic stability) indicates that this missense variant is expected to disrupt KIF1B protein function with a positive predictive value of 80%. In summary, the available evidence is currently insufficient to determine the role of this variant in disease. Therefore, it has been classified as a Variant of Uncertain Significance.

NM_001365951.3(KIF1B):c.805G>A (p.Ala269Thr)

Gene: KIF1B (kinesin family member 1B; plus strand). Cytogenetic location: 1p36.22.
Variant type: single nucleotide variant.
Coding change: c.805G>A on transcript NM_001365951.3 (MANE Select); coding-DNA position 805, G replaced by A.
Protein change: p.Ala269Thr; replaces alanine 269 with threonine.
Molecular consequence: missense variant.
Genome position (GRCh38, 1-based): chr1:10,272,247, G>A. VCF-style: chr1-10272247-G-A. GRCh37 (hg19) VCF-style: chr1-10332305-G-A.
Other names: c.805G>A, p.Ala269Thr (NM_001365952.1, NM_001365953.1, NM_015074.3 and 1 more transcripts); short protein forms A269T.
Identifiers: ClinVar variation 3662102 (VCV003662102.2).
Genomic context (GRCh38, chr1:10,272,247, plus strand): 5'-TATAGCAGTAGTAGAAATTCTTCATCATTCTTTCATATTTGGTATTTATTTTAGGAAGGA[G>A]CAAATATTAATAAGTCTCTTACAACTTTGGGCAAAGTCATTTCAGCCTTGGCCGAGGTGG-3'
Protein context (NP_001352880.1, residues 259-279): GAKGTRLKEG[Ala269Thr]NINKSLTTLG